The following is an entry in ClinVar:

ClinVar aggregate classification (germline): Uncertain significance (1 of 4 stars; one submission).

Conditions:
Arterial tortuosity syndrome (ATORS). Identifiers: Orphanet 3342, MedGen C1859726, MONDO:0008818, OMIM 208050.

Allele frequency attached by ClinVar (database versions not stated): ExAC 0.00001; gnomAD 0.00001; gnomAD exomes 0.00001; TOPMed 0.00001.
gnomAD v4.1: 12 of 1,613,676 alleles (0.00074%); highest among the groups gnomAD compares: Non-Finnish European, 0.001%; no homozygotes.

Submission:

Labcorp Genetics (formerly Invitae), Labcorp
Classification: Uncertain significance for Arterial tortuosity syndrome. Last evaluated: 2022-02-20. Review status: criteria provided, single submitter. Criteria: Invitae Variant Classification Sherloc (09022015). Collection method: clinical testing. Allele origin: germline.
Comment: This sequence change replaces serine, which is neutral and polar, with proline, which is neutral and non-polar, at codon 476 of the SLC2A10 protein (p.Ser476Pro). This variant is not present in population databases (gnomAD no frequency). This variant has not been reported in the literature in individuals affected with SLC2A10-related conditions. ClinVar contains an entry for this variant (Variation ID: 965404). Advanced modeling of protein sequence and biophysical properties (such as structural, functional, and spatial information, amino acid conservation, physicochemical variation, residue mobility, and thermodynamic stability) performed at Invitae indicates that this missense variant is not expected to disrupt SLC2A10 protein function. In summary, the available evidence is currently insufficient to determine the role of this variant in disease. Therefore, it has been classified as a Variant of Uncertain Significance.

NM_030777.4(SLC2A10):c.1426T>C (p.Ser476Pro)

Gene: SLC2A10 (solute carrier family 2 member 10; plus strand). Cytogenetic location: 20q13.12.
Variant type: single nucleotide variant.
Coding change: c.1426T>C on transcript NM_030777.4 (MANE Select); coding-DNA position 1426, T replaced by C.
Protein change: p.Ser476Pro; replaces serine 476 with proline.
Molecular consequence: missense variant.
Genome position (GRCh38, 1-based): chr20:46,729,367, T>C. VCF-style: chr20-46729367-T-C. GRCh37 (hg19) VCF-style: chr20-45358006-T-C.
Other names: short protein forms S476P.
Identifiers: ClinVar variation 965404 (VCV000965404.7), dbSNP rs750625663, ClinGen allele CA9892213.